The following is an entry in ClinVar:

NM_148897.3(SDR9C7):c.827G>A (p.Arg276His)

Gene: SDR9C7 (short chain dehydrogenase/reductase family 9C member 7; minus strand). Cytogenetic location: 12q13.3.
Variant type: single nucleotide variant.
Coding change: c.827G>A on transcript NM_148897.3 (MANE Select); coding-DNA position 827, G replaced by A.
Protein change: p.Arg276His; replaces arginine 276 with histidine.
Molecular consequence: missense variant.
Genome position (GRCh38, 1-based): chr12:56,923,948, C>T on the plus strand (G>A on the coding strand, the complement: SDR9C7 is on the minus strand). VCF-style: chr12-56923948-C-T. GRCh37 (hg19) VCF-style: chr12-57317732-C-T.
Other names: short protein forms R276H.
Identifiers: ClinVar variation 3676553 (VCV003676553.2).
Genomic context (GRCh38, chr12:56,923,948, plus strand): 5'-GGGGTGGGCAACTTAGCCAGAGGGATGTAGAGGAGTTTGGCATCCAGGCCAGGGTTGTAG[C>T]GGATGCGAGGGCTCCGGGAAACAATAGCATGCTCCATGCTGTTGATGACATCTCTGACTC-3'
Protein context (NP_683695.1, residues 266-286): HAIVSRSPRI[Arg276His]YNPGLDAKLL

ClinVar aggregate classification (germline): Uncertain significance (1 of 4 stars; one submission).

Submission:

Labcorp Genetics (formerly Invitae), Labcorp
Classification: Uncertain significance. Last evaluated: 2026-01-05. Review status: criteria provided, single submitter. Criteria: Invitae Variant Classification Sherloc (09022015). Collection method: clinical testing. Allele origin: germline.
Comment: This sequence change replaces arginine, which is basic and polar, with histidine, which is basic and polar, at codon 276 of the SDR9C7 protein (p.Arg276His). This variant is not present in population databases (gnomAD no frequency). This variant has not been reported in the literature in individuals affected with SDR9C7-related conditions. ClinVar contains an entry for this variant (Variation ID: 3676553). Invitae Evidence Modeling of protein sequence and biophysical properties (such as structural, functional, and spatial information, amino acid conservation, physicochemical variation, residue mobility, and thermodynamic stability) indicates that this missense variant is not expected to disrupt SDR9C7 protein function with a negative predictive value of 80%. In summary, the available evidence is currently insufficient to determine the role of this variant in disease. Therefore, it has been classified as a Variant of Uncertain Significance.